The following is an entry in ClinVar:

ClinVar aggregate classification (germline): Pathogenic/Likely pathogenic. Review status: criteria provided, multiple submitters, no conflicts (2 of 4 stars). 3 submissions from 3 submitters: Pathogenic (2); Likely pathogenic (1). Last evaluated 2024-05-14.

Conditions:
Glycogen storage disease, type V (GSD5). Also called: MCARDLE DISEASE; MUSCLE GLYCOGEN PHOSPHORYLASE DEFICIENCY; MYOPHOSPHORYLASE DEFICIENCY; PYGM DEFICIENCY; McArdle type glycogen storage disease. Identifiers: Orphanet 368, MedGen C0017924, MONDO:0009293, OMIM 232600.

Submissions (3):

Myriad Genetics, Inc.
Classification: Pathogenic for Glycogen storage disease, type V. Last evaluated: 2024-05-14. Review status: criteria provided, single submitter. Criteria: Myriad Autosomal Dominant, Autosomal Recessive and X-Linked Classification Criteria (2023). Collection method: clinical testing. Allele origin: unknown.
Comment: NM_005609.2(PYGM):c.1044_1050dup7(M351Rfs*126) is expected to be pathogenic in the context of glycogen storage disease, PYGM-related. This variant is predicted to lead to an abnormal or absent protein product due to the creation of a premature termination codon in PYGM, a gene where loss-of-function variants are known to be pathogenic. Please note: this variant was assessed in the context of healthy population screening.

Labcorp Genetics (formerly Invitae), Labcorp
Classification: Pathogenic for Glycogen storage disease, type V. Last evaluated: 2023-10-16. Review status: criteria provided, single submitter. Criteria: Invitae Variant Classification Sherloc (09022015). Collection method: clinical testing. Allele origin: germline.
Comment: This sequence change creates a premature translational stop signal (p.Met351Argfs*126) in the PYGM gene. It is expected to result in an absent or disrupted protein product. Loss-of-function variants in PYGM are known to be pathogenic (PMID: 8316268, 16786513). This variant is not present in population databases (gnomAD no frequency). This variant has not been reported in the literature in individuals affected with PYGM-related conditions. ClinVar contains an entry for this variant (Variation ID: 1804772). For these reasons, this variant has been classified as Pathogenic.

Women's Health and Genetics/Laboratory Corporation of America, LabCorp
Classification: Likely pathogenic for Glycogen storage disease, type V. Last evaluated: 2022-11-07. Review status: criteria provided, single submitter. Criteria: LabCorp Variant Classification Summary - May 2015. Collection method: clinical testing. Allele origin: germline.
Comment: Variant summary: PYGM c.1044_1050dupCGAGCTG (p.Met351ArgfsX126) results in a premature termination codon, predicted to cause a truncation of the encoded protein or absence of the protein due to nonsense mediated decay, which are commonly known mechanisms for disease. Truncations downstream of this position have been classified as pathogenic by our laboratory. The variant was absent in 250996 control chromosomes (gnomAD). To our knowledge, no occurrence of c.1044_1050dupCGAGCTG in individuals affected with Glycogen Storage Disease, Type V and no experimental evidence demonstrating its impact on protein function have been reported. No clinical diagnostic laboratories have submitted clinical-significance assessments for this variant to ClinVar after 2014. Based on the evidence outlined above, the variant was classified as likely pathogenic.

Literature cited by the submitters: PubMed 8316268 (cited by Labcorp Genetics (formerly Invitae), Labcorp); PubMed 16786513 (cited by Labcorp Genetics (formerly Invitae), Labcorp).

NM_005609.4(PYGM):c.1044_1050dup (p.Met351fs)

Gene: PYGM (glycogen phosphorylase, muscle associated; minus strand). Cytogenetic location: 11q13.1.
Variant type: Duplication.
Coding change: c.1044_1050dup on transcript NM_005609.4 (MANE Select); coding-DNA positions 1044 to 1050, 7 bases duplicated (CGAGCTG; older notation c.1044_1050dupCGAGCTG).
Protein change: p.Met351fs; shifts the reading frame from methionine 351.
Molecular consequence: frameshift variant.
Genome position (GRCh38, 1-based): chr11:64,754,295-64,754,301, CAGCTCG duplicated on the plus strand (CGAGCTG on the coding strand, the reverse complement: PYGM is on the minus strand). VCF-style (leftmost placement, unchanged base first): chr11-64754294-T-TCAGCTCG. GRCh37 (hg19) VCF-style: chr11-64521766-T-TCAGCTCG.
Other names: c.780_786dup, p.Met263fs (NM_001164716.1); short protein forms M263fs, M351fs.
Identifiers: ClinVar variation 1804772 (VCV001804772.5), dbSNP rs2496659881, ClinGen allele CA2580084689.